The following is an entry in ClinVar:

ClinVar aggregate classification (germline): Likely benign (1 of 4 stars; one submission).

Conditions:
MAP3K3-related disorder. Also called: MAP3K3-related condition.

gnomAD v4.1: 190 of 1,613,886 alleles (0.012%); highest among the groups gnomAD compares: Admixed American, 0.0033%; no homozygotes.

Submission:

PreventionGenetics, part of Exact Sciences
Classification: Likely benign for MAP3K3-related condition. Last evaluated: 2025-10-28. Review status: criteria provided, single submitter. Criteria: ACMG Guidelines, 2015. Collection method: clinical testing. Allele origin: germline.
Comment: This variant is classified as likely benign based on ACMG/AMP sequence variant interpretation guidelines (Richards et al. 2015 PMID: 25741868, with internal and published modifications).

NM_002401.5(MAP3K3):c.70C>T (p.Arg24Trp)

Gene: MAP3K3 (mitogen-activated protein kinase kinase kinase 3; plus strand). Cytogenetic location: 17q23.3.
Variant type: single nucleotide variant.
Coding change: c.70C>T on transcript NM_002401.5 (MANE Select); coding-DNA position 70, C replaced by T.
Protein change: p.Arg24Trp; replaces arginine 24 with tryptophan.
Molecular consequence: missense variant.
Genome position (GRCh38, 1-based): chr17:63,632,746, C>T. VCF-style: chr17-63632746-C-T. GRCh37 (hg19) VCF-style: chr17-61710106-C-T.
Other names: c.70C>T, p.Arg24Trp (NM_001330431.2, NM_001363768.2, NM_203351.3); short protein forms R24W.
Identifiers: ClinVar variation 4987705 (VCV004987705.1).
Genomic context (GRCh38, chr17:63,632,746, plus strand): 5'-CAGGAGGCATTGAACTCAATCATGAACGATCTGGTGGCCCTCCAGATGAACCGACGTCAC[C>T]GGATGCCTGGATATGAGACCATGAAGAACAAAGACACAGGTCACTCAAATAGGCAGGTGT-3'
Protein context (NP_002392.2, residues 14-34): LVALQMNRRH[Arg24Trp]MPGYETMKNK